The following is an entry in ClinVar:

ClinVar aggregate classification (germline): Likely benign. Review status: criteria provided, multiple submitters, no conflicts (2 of 4 stars). 2 submissions from 2 submitters: Likely benign (2). Last evaluated 2024-06-01.

Conditions:
LAMA2-related muscular dystrophy (LAMA2-RD). Also called: Laminin alpha 2-related dystrophy. Identifiers: MedGen C5679788, MONDO:0100228.

Allele frequency attached by ClinVar (database versions not stated): gnomAD exomes below 0.00001; TOPMed below 0.00001; gnomAD 0.00001.
gnomAD v4.1: 5 of 1,613,120 alleles (0.00031%); highest among the groups gnomAD compares: Non-Finnish European, 0.00042%; no homozygotes.

Submissions (2):

CeGaT Center for Human Genetics Tuebingen
Classification: Likely benign. Last evaluated: 2024-06-01. Review status: criteria provided, single submitter. Criteria: CeGaT Center For Human Genetics Tuebingen Variant Classification Criteria Version 2. Collection method: clinical testing. Allele origin: germline. Affected: yes. Observed: 1 variant allele.
Comment: LAMA2: BP4, BP7

Labcorp Genetics (formerly Invitae), Labcorp
Classification: Likely benign for LAMA2-related muscular dystrophy. Last evaluated: 2023-07-09. Review status: criteria provided, single submitter. Criteria: Invitae Variant Classification Sherloc (09022015). Collection method: clinical testing. Allele origin: germline.

NM_000426.4(LAMA2):c.2286T>C (p.His762=)

Gene: LAMA2 (laminin subunit alpha 2; plus strand). Cytogenetic location: 6q22.33.
Variant type: single nucleotide variant.
Coding change: c.2286T>C on transcript NM_000426.4 (MANE Select); coding-DNA position 2286, T replaced by C.
Protein change: p.His762=; no amino-acid change (histidine 762 retained).
Molecular consequence: synonymous variant.
Genome position (GRCh38, 1-based): chr6:129,267,183, T>C. VCF-style: chr6-129267183-T-C. GRCh37 (hg19) VCF-style: chr6-129588328-T-C.
Other names: c.2286T>C, p.His762= (NM_001079823.2).
Identifiers: ClinVar variation 1100150 (VCV001100150.27), dbSNP rs762354749, ClinGen allele CA146879463.